The following is an entry in ClinVar:

ClinVar aggregate classification (germline): Uncertain significance (1 of 4 stars; one submission).

Conditions:
Netherton syndrome (NETH). Also called: ERYTHRODERMA, ICHTHYOSIFORM, WITH HYPOTRICHOSIS AND HYPER-IgE; COMEL-NETHERTON SYNDROME; NETHERTON DISEASE. Identifiers: Orphanet 634, MedGen C5574950, MONDO:0009735, OMIM 256500.

Submission:

Labcorp Genetics (formerly Invitae), Labcorp
Classification: Uncertain significance for Ichthyosis linearis circumflexa. Last evaluated: 2022-08-19. Review status: criteria provided, single submitter. Criteria: Invitae Variant Classification Sherloc (09022015). Collection method: clinical testing. Allele origin: germline.
Comment: This sequence change replaces serine, which is neutral and polar, with arginine, which is basic and polar, at codon 154 of the SPINK5 protein (p.Ser154Arg). This variant is not present in population databases (gnomAD no frequency). This variant has not been reported in the literature in individuals affected with SPINK5-related conditions. ClinVar contains an entry for this variant (Variation ID: 1475643). Algorithms developed to predict the effect of missense changes on protein structure and function are either unavailable or do not agree on the potential impact of this missense change (SIFT: "Deleterious"; PolyPhen-2: "Benign"; Align-GVGD: "Class C0"). Algorithms developed to predict the effect of sequence changes on RNA splicing suggest that this variant may create or strengthen a splice site. In summary, the available evidence is currently insufficient to determine the role of this variant in disease. Therefore, it has been classified as a Variant of Uncertain Significance.

NM_006846.4(SPINK5):c.460A>C (p.Ser154Arg)

Gene: SPINK5 (serine peptidase inhibitor Kazal type 5; plus strand). Cytogenetic location: 5q32.
Variant type: single nucleotide variant.
Coding change: c.460A>C on transcript NM_006846.4 (MANE Select); coding-DNA position 460, A replaced by C.
Protein change: p.Ser154Arg; replaces serine 154 with arginine.
Molecular consequence: missense variant.
Genome position (GRCh38, 1-based): chr5:148,088,591, A>C. VCF-style: chr5-148088591-A-C. GRCh37 (hg19) VCF-style: chr5-147468154-A-C.
Other names: c.460A>C, p.Ser154Arg (NM_001127698.2, NM_001127699.2); short protein forms S154R.
Identifiers: ClinVar variation 1475643 (VCV001475643.5), dbSNP rs756283031, ClinGen allele CA361890221.